The following is an entry in ClinVar:

ClinVar aggregate classification (germline): Benign/Likely benign. Review status: criteria provided, multiple submitters, no conflicts (2 of 4 stars). 5 submissions from 5 submitters: Benign (1); Likely benign (3). 1 of the submissions does not count toward it. Last evaluated 2026-02-02.

Conditions:
Atrial septal defect 5 (ASD5). Identifiers: Orphanet 1478, MedGen C2748552, MONDO:0013011, OMIM 612794.
Hypertrophic cardiomyopathy 11. Also called: ACTC1-Related Familial Hypertrophic Cardiomyopathy. Identifiers: MedGen C2677506, MONDO:0012799, OMIM 612098.
Dilated cardiomyopathy 1R (CMD1R). Identifiers: Orphanet 154, Orphanet 54260, MedGen C3150681, MONDO:0013261, OMIM 613424.
ACTC1-related disorder. Also called: ACTC1-related condition.

Submissions (5):

Labcorp Genetics (formerly Invitae), Labcorp
Classification: Likely benign for Dilated cardiomyopathy 1R; Hypertrophic cardiomyopathy 11; Atrial septal defect 5. Last evaluated: 2026-02-02. Review status: criteria provided, single submitter. Criteria: Invitae Variant Classification Sherloc (09022015). Collection method: clinical testing. Allele origin: germline.

ARUP Laboratories, Molecular Genetics and Genomics, ARUP Laboratories
Classification: Likely benign. Last evaluated: 2025-03-31. Review status: criteria provided, single submitter. Criteria: ARUP Molecular Germline Variant Investigation Process 2024. Collection method: clinical testing. Allele origin: germline.

Blueprint Genetics
Classification: Likely benign. Last evaluated: 2024-11-27. Review status: criteria provided, single submitter. Criteria: ACMG Guidelines, 2015. Collection method: clinical testing. Allele origin: germline.

Women's Health and Genetics/Laboratory Corporation of America, LabCorp
Classification: Benign. Last evaluated: 2022-04-18. Review status: criteria provided, single submitter. Criteria: LabCorp Variant Classification Summary - May 2015. Collection method: clinical testing. Allele origin: germline.
Comment: Variant summary: ACTC1 c.809-20_809-13delTGTGTGTG alters a nucleotide located close to a canonical splice site and therefore could affect mRNA splicing, leading to a significantly altered protein sequence. 4/4 computational tools predict no significant impact on normal splicing. However, these predictions have yet to be confirmed by functional studies. The variant allele was found at a frequency of 0.008 in 139842 control chromosomes in the gnomAD v3.1.2 database, including 15 homozygotes. The observed variant frequency is approximately 320-fold of the estimated maximal expected allele frequency for a pathogenic variant in ACTC1 causing Cardiomyopathy phenotype (2.5e-05), strongly suggesting that the variant is benign. A ClinVar submitter (evaluation after 2014) cites the variant as likely benign. Based on the evidence outlined above, the variant was classified as benign.

PreventionGenetics, part of Exact Sciences
Classification: Likely benign for ACTC1-related condition. Last evaluated: 2021-04-17. Review status: no assertion criteria provided. Collection method: clinical testing. Allele origin: germline. Not counted in ClinVar's aggregate classification.
Comment: This variant is classified as likely benign based on ACMG/AMP sequence variant interpretation guidelines (Richards et al. 2015 PMID: 25741868, with internal and published modifications).

NM_005159.5(ACTC1):c.809-58TG[19]

Genes: ACTC1 (actin alpha cardiac muscle 1; minus strand), GJD2-DT (GJD2 divergent transcript; plus strand). Cytogenetic location: 15q14.
Variant type: Microsatellite.
Coding change: c.809-58TG[19] on transcript NM_005159.5 (MANE Select); 19 copies in a row of the 2-base unit TG starting at c.809-58; the reference has 23 copies in a row; four copies, 8 bases deleted.
Molecular consequence: intron variant.
Genome position (GRCh38, 1-based): chr15:34,791,308-34,791,315, CACACACA deleted on the plus strand (TGTGTGTG on the coding strand, the reverse complement: ACTC1 is on the minus strand); deleting any 8 consecutive bases within chr15:34,791,308-34,791,353 gives the same sequence; the position shown is the placement nearest the transcript's 3' end. VCF-style (leftmost placement, unchanged base first): chr15-34791307-TCACACACA-T. GRCh37 (hg19) VCF-style: chr15-35083508-TCACACACA-T.
Other names: c.809-20_809-13del8 (NM_005159.4).
Identifiers: ClinVar variation 917566 (VCV000917566.14), dbSNP rs59431308, ClinGen allele CA712279160.
Genomic context (GRCh38, chr15:34,791,307, plus strand): 5'-TTCATGATGCTATTGTAAGTTGTTTCATGGATGCCAGCAGATTCCATACCTGGGAACGAG[TCACACACA>T]CACACACACACACACACACACACACACACACACACACATCACAGTGCATTCAGGTCAAGG-3'